The following is an entry in ClinVar:

NM_001377.3(DYNC2H1):c.12566+137C>G

Gene: DYNC2H1 (dynein cytoplasmic 2 heavy chain 1; plus strand). Cytogenetic location: 11q22.3.
Variant type: single nucleotide variant.
Coding change: c.12566+137C>G on transcript NM_001377.3 (MANE Select); 137 bases into the intron after coding-DNA position 12566, C replaced by G.
Molecular consequence: intron variant.
Genome position (GRCh38, 1-based): chr11:103,455,432, C>G. VCF-style: chr11-103455432-C-G. GRCh37 (hg19) VCF-style: chr11-103326160-C-G.
Other names: c.12587+137C>G (NM_001080463.2).
Identifiers: ClinVar variation 667814 (VCV000667814.2), dbSNP rs1384074, ClinGen allele CA227451977.
Genomic context (GRCh38, chr11:103,455,432, plus strand): 5'-CCCTTGATTGTCAAGAAATAAATTTATTATTGAAACACAGTTATGTTATTTTCTTATTCT[C>G]TACTTTAAATCATACAGTTAACCTTTAGCTTAAAAAGCATTGCTTTTAATGATGATATGT-3'

ClinVar aggregate classification (germline): Benign. Review status: criteria provided, multiple submitters, no conflicts (2 of 4 stars). 2 submissions from 2 submitters: Benign (2). Last evaluated 2018-06-14.

Allele frequency attached by ClinVar (database versions not stated): gnomAD 0.16803 and 0.17257; gnomAD exomes 0.16816; TOPMed 0.18052; 1000 Genomes Project 30x 0.19628; 1000 Genomes Project 0.20008.
gnomAD v4.1: 117,614 of 696,850 alleles (17%); highest among the groups gnomAD compares: East Asian, 29%; 11,318 homozygotes.

Submissions (2):

GeneDx
Classification: Benign. Last evaluated: 2018-06-14. Review status: criteria provided, single submitter. Criteria: GeneDx Variant Classification (06012015). Collection method: clinical testing. Allele origin: germline. Affected: yes.
Comment: This variant is considered likely benign or benign based on one or more of the following criteria: it is a conservative change, it occurs at a poorly conserved position in the protein, it is predicted to be benign by multiple in silico algorithms, and/or has population frequency not consistent with disease.

Breakthrough Genomics
Classification: Benign. Review status: criteria provided, single submitter. Criteria: ACMG Guidelines, 2015. Collection method: not provided. Allele origin: germline. Inheritance: Autosomal recessive inheritance. Affected: yes.